The following is an entry in ClinVar:

ClinVar aggregate classification (germline): Uncertain significance (1 of 4 stars; one submission).

Conditions:
Epidermolysis bullosa simplex 5C, with pyloric atresia (EBS5C). Also called: Epidermolysis bullosa simplex with pyloric atresia; PLEC-Related Epidermolysis Bullosa with Pyloric Atresia; PLEC1-Related Epidermolysis Bullosa with Pyloric Atresia. Identifiers: Orphanet 158684, MedGen C2677349, MONDO:0012807, OMIM 612138.
Epidermolysis bullosa simplex with nail dystrophy (EBS5D). Identifiers: MedGen C4225309, MONDO:0014661, OMIM 616487.
Epidermolysis bullosa simplex 5B, with muscular dystrophy (EBS5B). Also called: Epidermolysis bullosa simplex with muscular dystrophy; EPIDERMOLYSIS BULLOSA SIMPLEX AND LIMB-GIRDLE MUSCULAR DYSTROPHY. Identifiers: Orphanet 257, MedGen C2931072, MONDO:0009181, OMIM 226670.
Autosomal recessive limb-girdle muscular dystrophy type 2Q (LGMDR17). Also called: MUSCULAR DYSTROPHY, LIMB-GIRDLE, AUTOSOMAL RECESSIVE 17. Identifiers: Orphanet 254361, MedGen C3150989, MONDO:0013390, OMIM 613723.
Epidermolysis bullosa simplex, Ogna type (EBS5A). Also called: Pidermolysis bullosa simplex 5A, Ogna type; EPIDERMOLYSIS BULLOSA SIMPLEX 5A, OGNA TYPE. Identifiers: Orphanet 79401, MedGen C0432317, MONDO:0007555, OMIM 131950.

Allele frequency attached by ClinVar (database versions not stated): gnomAD exomes 0.00001 and 0.00003; gnomAD 0.00003; TOPMed 0.00003; ExAC 0.00011.
gnomAD v4.1: 24 of 1,566,012 alleles (0.0015%); highest among the groups gnomAD compares: South Asian, 0.0069%; no homozygotes.

Submission:

Labcorp Genetics (formerly Invitae), Labcorp
Classification: Uncertain significance for Autosomal recessive limb-girdle muscular dystrophy type 2Q; Epidermolysis bullosa simplex, Ogna type; Epidermolysis bullosa simplex with nail dystrophy; Epidermolysis bullosa simplex 5C, with pyloric atresia; Epidermolysis bullosa simplex 5B, with muscular dystrophy. Last evaluated: 2022-03-22. Review status: criteria provided, single submitter. Criteria: Invitae Variant Classification Sherloc (09022015). Collection method: clinical testing. Allele origin: germline.
Comment: In summary, the available evidence is currently insufficient to determine the role of this variant in disease. Therefore, it has been classified as a Variant of Uncertain Significance. Algorithms developed to predict the effect of missense changes on protein structure and function are either unavailable or do not agree on the potential impact of this missense change (SIFT: "Tolerated"; PolyPhen-2: "Not Available"; Align-GVGD: "Class C0"). This variant has not been reported in the literature in individuals affected with PLEC-related conditions. This variant is present in population databases (rs781801524, gnomAD 0.01%). This sequence change replaces alanine, which is neutral and non-polar, with threonine, which is neutral and polar, at codon 1613 of the PLEC protein (p.Ala1613Thr).

NM_201384.3(PLEC):c.4756G>A (p.Ala1586Thr)

Gene: PLEC (plectin; minus strand). Cytogenetic location: 8q24.3.
Variant type: single nucleotide variant.
Coding change: c.4756G>A on transcript NM_201384.3 (MANE Select); coding-DNA position 4756, G replaced by A.
Protein change: p.Ala1586Thr; replaces alanine 1586 with threonine.
Molecular consequence: missense variant.
Genome position (GRCh38, 1-based): chr8:143,925,173, C>T on the plus strand (G>A on the coding strand, the complement: PLEC is on the minus strand). VCF-style: chr8-143925173-C-T. GRCh37 (hg19) VCF-style: chr8-144999341-C-T.
Other names: c.4837G>A, p.Ala1613Thr (NM_000445.5); c.4714G>A, p.Ala1572Thr (NM_201378.4); c.4690G>A, p.Ala1564Thr (NM_201379.3); c.5167G>A, p.Ala1723Thr (NM_201380.4); c.4660G>A, p.Ala1554Thr (NM_201381.3); c.4756G>A, p.Ala1586Thr (NM_201382.4); c.4768G>A, p.Ala1590Thr (NM_201383.3); short protein forms A1723T, A1586T, A1613T, A1554T, A1564T, A1572T, A1590T.
Identifiers: ClinVar variation 1407860 (VCV001407860.8), dbSNP rs781801524, ClinGen allele CA4926549.